The following is an entry in ClinVar:

NM_001042681.2(RERE):c.3243G>A (p.Ala1081=)

Gene: RERE (arginine-glutamic acid dipeptide repeats; minus strand). Cytogenetic location: 1p36.23.
Variant type: single nucleotide variant.
Coding change: c.3243G>A on transcript NM_001042681.2 (MANE Select); coding-DNA position 3243, G replaced by A.
Protein change: p.Ala1081=; no amino-acid change (alanine 1081 retained).
Molecular consequence: synonymous variant.
Genome position (GRCh38, 1-based): chr1:8,360,264, C>T on the plus strand (G>A on the coding strand, the complement: RERE is on the minus strand). VCF-style: chr1-8360264-C-T. GRCh37 (hg19) VCF-style: chr1-8420324-C-T.
Other names: c.1581G>A, p.Ala527= (NM_001042682.2); c.3243G>A, p.Ala1081= (NM_012102.4).
Identifiers: ClinVar variation 4872765 (VCV004872765.2).
Genomic context (GRCh38, chr1:8,360,264, plus strand): 5'-AGCGTCGTCCAGAGCCTCCTCCTTGATCTGGACGGTGGGGAGTGGGCAGGACGACCCCCC[C>T]GCTATGCTGCCTCCTGAAGCCGCCGCACCAGAGCAGGGTGGCTGGGCCGAGGTGCCAGGT-3'
Protein context (NP_001036146.1, residues 1071-1091): SGAAASGGSI[Ala1081=]GGSSCPLPTV

ClinVar aggregate classification (germline): Likely benign (1 of 4 stars; one submission).

gnomAD v4.1: 58 of 1,571,906 alleles (0.0037%); highest among the groups gnomAD compares: Admixed American, 0.018%; no homozygotes.

Submission:

CeGaT Center for Human Genetics Tuebingen
Classification: Likely benign. Last evaluated: 2026-04-01. Review status: criteria provided, single submitter. Criteria: CeGaT Center For Human Genetics Tuebingen Variant Classification Criteria Version 2. Collection method: clinical testing. Allele origin: germline. Affected: yes. Observed: 1 variant allele.
Comment: RERE: BP4, BP7